The following is an entry in ClinVar:

NM_001378969.1(KCND3):c.1195G>C (p.Val399Leu)

Gene: KCND3 (potassium voltage-gated channel subfamily D member 3; minus strand). Cytogenetic location: 1p13.2.
Variant type: single nucleotide variant.
Coding change: c.1195G>C on transcript NM_001378969.1 (MANE Select); coding-DNA position 1195, G replaced by C.
Protein change: p.Val399Leu; replaces valine 399 with leucine.
Molecular consequence: missense variant.
Genome position (GRCh38, 1-based): chr1:111,787,018, C>G on the plus strand (G>C on the coding strand, the complement: KCND3 is on the minus strand). VCF-style: chr1-111787018-C-G. GRCh37 (hg19) VCF-style: chr1-112329640-C-G.
Other names: c.1195G>C, p.Val399Leu (NM_001378970.1, NM_004980.5, NM_172198.3); short protein forms V399L.
Identifiers: ClinVar variation 372829 (VCV000372829.1), dbSNP rs1057518007, ClinGen allele CA16042284.

ClinVar aggregate classification (germline): Likely pathogenic (1 of 4 stars; one submission).

Submission:

GeneDx
Classification: Likely pathogenic. Last evaluated: 2015-12-17. Review status: criteria provided, single submitter. Criteria: GeneDx Variant Classification (06012015). Collection method: clinical testing. Allele origin: germline. Affected: yes.
Comment: The V399L variant in the KCND3 gene has not been reported previously as a pathogenic variant, nor as a benign variant, to our knowledge. The V399L variant was not observed in approximately 6500 individuals of European and African American ancestry in the NHLBI Exome Sequencing Project, indicating it is not a common benign variant in these populations. The V399L variant is a conservative amino acid substitution, which is not likely to impact secondary protein structure as these residues share similar properties. This substitution occurs at a position that is conserved across species. In silico analysis is inconsistent in its predictions as to whether or not the variant is damaging to the protein structure/function. Missense variants in nearby residues (S390N, V392I) have been reported in the Human Gene Mutation Database in association with KCND3-related disorders (Stenson et al., 2014), supporting the functional importance of this region of the protein. The V399L variant is a strong candidate for a pathogenic variant, however the possibility it may be a rare benign variant cannot be excluded.